The following is an entry in ClinVar:

NM_033380.3(COL4A5):c.58_65del (p.Trp20fs)

Gene: COL4A5 (collagen type IV alpha 5 chain; plus strand). Cytogenetic location: Xq22.3.
Variant type: Deletion.
Coding change: c.58_65del on transcript NM_033380.3 (MANE Select); coding-DNA positions 58 to 65, 8 bases deleted (TGGGGGCA; older notation c.58_65delTGGGGGCA).
Protein change: p.Trp20fs; shifts the reading frame from tryptophan 20.
Molecular consequence: frameshift variant.
Genome position (GRCh38, 1-based): chrX:108,440,183-108,440,190, TGGGGGCA deleted. VCF-style (leftmost placement, unchanged base first): chrX-108440182-TTGGGGGCA-T. GRCh37 (hg19) VCF-style: chrX-107683412-TTGGGGGCA-T.
Other names: c.58_65del, p.Trp20fs (NM_000495.5); short protein forms W20fs.
Identifiers: ClinVar variation 1458786 (VCV001458786.6), dbSNP rs2147448022, ClinGen allele CA2573159164.

ClinVar aggregate classification (germline): Pathogenic (1 of 4 stars; one submission).

Submission:

Labcorp Genetics (formerly Invitae), Labcorp
Classification: Pathogenic. Last evaluated: 2021-01-19. Review status: criteria provided, single submitter. Criteria: Invitae Variant Classification Sherloc (09022015). Collection method: clinical testing. Allele origin: germline.
Comment: This sequence change creates a premature translational stop signal (p.Trp20Alafs*17) in the COL4A5 gene. It is expected to result in an absent or disrupted protein product. Loss-of-function variants in COL4A5 are known to be pathogenic (PMID: 9195222, 10752524, 14514738, 24854265, 26809805). This variant is not present in population databases (ExAC no frequency). This variant has not been reported in the literature in individuals with COL4A5-related conditions. For these reasons, this variant has been classified as Pathogenic.

Literature cited by the submitters: PubMed 9195222; PubMed 10752524; PubMed 14514738; PubMed 24854265; PubMed 26809805.